The following is an entry in ClinVar:

NM_001379286.1(ZNF423):c.1132G>A (p.Ala378Thr)

Gene: ZNF423 (zinc finger protein 423; minus strand). Cytogenetic location: 16q12.1.
Variant type: single nucleotide variant.
Coding change: c.1132G>A on transcript NM_001379286.1 (MANE Select); coding-DNA position 1132, G replaced by A.
Protein change: p.Ala378Thr; replaces alanine 378 with threonine.
Molecular consequence: missense variant.
Genome position (GRCh38, 1-based): chr16:49,638,044, C>T on the plus strand (G>A on the coding strand, the complement: ZNF423 is on the minus strand). VCF-style: chr16-49638044-C-T. GRCh37 (hg19) VCF-style: chr16-49671955-C-T.
Other names: c.928G>A, p.Ala310Thr (NM_001271620.2); c.757G>A, p.Ala253Thr (NM_001330533.2); c.1108G>A, p.Ala370Thr (NM_015069.5); c.1108G>A (NM_015069.4); short protein forms A310T, A370T, A253T, A378T.
Identifiers: ClinVar variation 197825 (VCV000197825.13), dbSNP rs199760788, ClinGen allele CA246182.

ClinVar aggregate classification (germline): Conflicting classifications of pathogenicity. Review status: criteria provided, conflicting classifications (1 of 4 stars). 5 submissions from 5 submitters: Uncertain significance (3); Likely benign (1). 1 of the submissions does not count toward it. Last evaluated 2026-04-14.

Conditions:
ZNF423-related disorder. Also called: ZNF423-related condition.
Optic atrophy. Identifiers: MedGen C0029124, MONDO:0003608, HP:0000648.
Nephronophthisis 14 (NPHP14). Identifiers: Orphanet 2318, MedGen C3539071, MONDO:0013916, OMIM 614844.

Allele frequency attached by ClinVar (database versions not stated): gnomAD 0.00011; ESP Exome Variant Server 0.00015; gnomAD exomes 0.00016 and 0.00024; ExAC 0.00021; TOPMed 0.00027.
gnomAD v4.1: 250 of 1,613,776 alleles (0.015%); highest among the groups gnomAD compares: Admixed American, 0.072%; no homozygotes.

Submissions (5):

PreventionGenetics, part of Exact Sciences
Classification: Uncertain significance for ZNF423-related condition. Last evaluated: 2026-04-14. Review status: criteria provided, single submitter. Criteria: ACMG Guidelines, 2015. Collection method: clinical testing. Allele origin: germline.
Comment: The ZNF423 c.1108G>A variant is predicted to result in the amino acid substitution p.Ala370Thr. To our knowledge, this variant has not been reported in the literature. This variant is reported in 0.062% of alleles in individuals of Latino descent in gnomAD, which may be too common to be a primary cause of disease. Although we suspect that this variant may be benign, at this time, the clinical significance of this variant is uncertain due to the absence of conclusive functional and genetic evidence.

Blueprint Genetics
Classification: Likely benign. Last evaluated: 2024-10-03. Review status: criteria provided, single submitter. Criteria: ACMG Guidelines, 2015. Collection method: clinical testing. Allele origin: germline.

Labcorp Genetics (formerly Invitae), Labcorp
Classification: Uncertain significance for Nephronophthisis 14. Last evaluated: 2024-01-29. Review status: criteria provided, single submitter. Criteria: Invitae Variant Classification Sherloc (09022015). Collection method: clinical testing. Allele origin: germline.
Comment: This sequence change replaces alanine, which is neutral and non-polar, with threonine, which is neutral and polar, at codon 370 of the ZNF423 protein (p.Ala370Thr). This variant is present in population databases (rs199760788, gnomAD 0.06%). This variant has not been reported in the literature in individuals affected with ZNF423-related conditions. ClinVar contains an entry for this variant (Variation ID: 197825). Advanced modeling of protein sequence and biophysical properties (such as structural, functional, and spatial information, amino acid conservation, physicochemical variation, residue mobility, and thermodynamic stability) performed at Invitae indicates that this missense variant is not expected to disrupt ZNF423 protein function with a negative predictive value of 80%. In summary, the available evidence is currently insufficient to determine the role of this variant in disease. Therefore, it has been classified as a Variant of Uncertain Significance.

Eurofins Ntd Llc (ga)
Classification: Uncertain significance. Last evaluated: 2016-09-08. Review status: criteria provided, single submitter. Criteria: EGL Classification Definitions 2015. Collection method: clinical testing. Allele origin: germline. Observed: 1 variant allele, 1 heterozygote.

Institute of Human Genetics, Univ. Regensburg, Univ. Regensburg
Classification: Uncertain significance for Optic atrophy. Last evaluated: 2023-01-01. Review status: no assertion criteria provided. Criteria: ACMG Guidelines, 2015. Collection method: clinical testing. Allele origin: germline. Affected: yes. Not counted in ClinVar's aggregate classification.